The following is an entry in ClinVar:

NM_001110556.2(FLNA):c.5616G>C (p.Gly1872=)

Gene: FLNA (filamin A; minus strand). Cytogenetic location: Xq28.
Variant type: single nucleotide variant.
Coding change: c.5616G>C on transcript NM_001110556.2 (MANE Select); coding-DNA position 5616, G replaced by C.
Protein change: p.Gly1872=; no amino-acid change (glycine 1872 retained).
Molecular consequence: synonymous variant.
Genome position (GRCh38, 1-based): chrX:154,353,985, C>G on the plus strand (G>C on the coding strand, the complement: FLNA is on the minus strand). VCF-style: chrX-154353985-C-G. GRCh37 (hg19) VCF-style: chrX-153582353-C-G.
Other names: p.Gly1864=; c.5616G>C (NM_001110556.1); c.5592G>C, p.Gly1864= (NM_001456.4).
Identifiers: ClinVar variation 465001 (VCV000465001.23), dbSNP rs782204300, ClinGen allele CA10560268.

ClinVar aggregate classification (germline): Benign/Likely benign. Review status: criteria provided, multiple submitters, no conflicts (2 of 4 stars). 9 submissions from 9 submitters: Benign (1); Likely benign (6). 2 of the submissions do not count toward it. Last evaluated 2026-07-01.

Conditions:
Melnick-Needles syndrome (MNS). Also called: MELNICK-NEEDLES OSTEODYSPLASTY; Melnick-Needles Syndrome (FLNA-MNS); OSTEODYSPLASTY OF MELNICK AND NEEDLES. Identifiers: Orphanet 2484, MedGen C0025237, MONDO:0010650, OMIM 309350.
Oto-palato-digital syndrome, type II (OPD2). Also called: Otopalatodigital Syndrome, Type II; FACIOPALATOOSSEOUS SYNDROME; Otopalatodigital Syndrome Type 2 (FLNA-OPD2); OPD II SYNDROME. Identifiers: Orphanet 669, Orphanet 90652, MedGen C1844696, MONDO:0010571, OMIM 304120.
Heterotopia, periventricular, X-linked dominant (PVNH1). Also called: X-linked periventricular heterotopia; PERIVENTRICULAR NODULAR HETEROTOPIA 4; HETEROTOPIA, PERIVENTRICULAR, 1; PERIVENTRICULAR NODULAR HETEROTOPIA 1. Identifiers: Orphanet 2149, Orphanet 82004, MedGen C1848213, MONDO:0010233, OMIM 300049.
Frontometaphyseal dysplasia (FMD1). Identifiers: Orphanet 1826, MedGen C0265293, MONDO:0015942.
FLNA-related disorder.
Familial thoracic aortic aneurysm and aortic dissection (TAAD). Also called: Thoracic aortic aneurysms and dissections. Identifiers: Orphanet 91387, MedGen C4707243, MONDO:0019625.

Allele frequency attached by ClinVar (database versions not stated): ExAC 0.00003; gnomAD exomes 0.00004 and 0.00008; gnomAD 0.00005 and 0.00006; TOPMed 0.00018.
gnomAD v4.1: 87 of 1,210,244 alleles (0.0072%); highest among the groups gnomAD compares: Non-Finnish European, 0.0093%; no homozygotes.

Submissions (9):

CeGaT Center for Human Genetics Tuebingen
Classification: Likely benign. Last evaluated: 2026-07-01. Review status: criteria provided, single submitter. Criteria: CeGaT Center For Human Genetics Tuebingen Variant Classification Criteria Version 2. Collection method: clinical testing. Allele origin: germline. Affected: yes. Observed: 1 variant allele.
Comment: FLNA: BP4, BP7, BS2

Labcorp Genetics (formerly Invitae), Labcorp
Classification: Benign for Oto-palato-digital syndrome, type II; Heterotopia, periventricular, X-linked dominant; Frontometaphyseal dysplasia; Melnick-Needles syndrome. Last evaluated: 2026-02-02. Review status: criteria provided, single submitter. Criteria: Invitae Variant Classification Sherloc (09022015). Collection method: clinical testing. Allele origin: germline.

Women's Health and Genetics/Laboratory Corporation of America, LabCorp
Classification: Likely benign. Last evaluated: 2025-09-08. Review status: criteria provided, single submitter. Criteria: LabCorp Variant Classification Summary - May 2015. Collection method: clinical testing. Allele origin: germline.

PreventionGenetics, part of Exact Sciences
Classification: Likely benign for FLNA-related condition. Last evaluated: 2024-12-17. Review status: criteria provided, single submitter. Criteria: ACMG Guidelines, 2015. Collection method: clinical testing. Allele origin: germline.
Comment: This variant is classified as likely benign based on ACMG/AMP sequence variant interpretation guidelines (Richards et al. 2015 PMID: 25741868, with internal and published modifications).

Mayo Clinic Laboratories, Mayo Clinic
Classification: Likely benign. Last evaluated: 2024-01-30. Review status: criteria provided, single submitter. Criteria: ACMG Guidelines, 2015. Collection method: clinical testing. Allele origin: germline. Observed: 4 variant alleles.

GeneDx
Classification: Likely benign. Last evaluated: 2021-05-06. Review status: criteria provided, single submitter. Criteria: GeneDx Variant Classification Process June 2021. Collection method: clinical testing. Allele origin: germline. Affected: yes.

Ambry Genetics
Classification: Likely benign for Familial thoracic aortic aneurysm and aortic dissection. Last evaluated: 2017-06-27. Review status: criteria provided, single submitter. Criteria: Ambry Variant Classification Scheme 2023. Collection method: clinical testing. Allele origin: germline.

Clinical Genetics DNA and cytogenetics Diagnostics Lab, Erasmus MC, Erasmus Medical Center
Classification: Likely benign. Review status: no assertion criteria provided. Collection method: clinical testing. Allele origin: germline. Affected: yes. Study: VKGL Data-share Consensus. Not counted in ClinVar's aggregate classification.

Genome Diagnostics Laboratory, University Medical Center Utrecht
Classification: Likely benign. Review status: no assertion criteria provided. Collection method: clinical testing. Allele origin: germline. Affected: yes. Study: VKGL Data-share Consensus. Not counted in ClinVar's aggregate classification.